The following is an entry in ClinVar:

NM_001165963.4(SCN1A):c.1377+2T>A

Gene: SCN1A (sodium voltage-gated channel alpha subunit 1; minus strand). Cytogenetic location: 2q24.3.
Variant type: single nucleotide variant.
Coding change: c.1377+2T>A on transcript NM_001165963.4 (MANE Select); the canonical splice donor site of the intron after coding-DNA position 1377, T replaced by A.
Molecular consequence: splice donor variant.
Genome position (GRCh38, 1-based): chr2:166,046,768, A>T on the plus strand (T>A on the coding strand, the complement: SCN1A is on the minus strand). VCF-style: chr2-166046768-A-T. GRCh37 (hg19) VCF-style: chr2-166903278-A-T.
Other names: c.1377+2T>A (NM_001353949.2, NM_001353958.2, NM_001353950.2 and 10 more transcripts); c.-1049+2T>A (NM_001353961.2).
Identifiers: ClinVar variation 3728263 (VCV003728263.2).
Genomic context (GRCh38, chr2:166,046,768, plus strand): 5'-TTCAATATTACGTAACAATCAGAACGATAAAAGGTCAGTGCCATGAGACAGGGCAGCTTT[A>T]CCTGAGCTGCCTCCTGTTGCTTTTTAAGCTGTTCAATCATCTGCTGAAATTCGGCCTCTT-3'

ClinVar aggregate classification (germline): Pathogenic (1 of 4 stars; one submission).

Conditions:
Early-infantile DEE. Also called: Early infantile epileptic encephalopathy; Ohtahara syndrome; Early infantile epileptic encephalopathy with suppression bursts. Identifiers: Orphanet 1934, MedGen C0393706, MONDO:0800491.

Submission:

Labcorp Genetics (formerly Invitae), Labcorp
Classification: Pathogenic for Early-infantile DEE. Last evaluated: 2024-12-30. Review status: criteria provided, single submitter. Criteria: Invitae Variant Classification Sherloc (09022015). Collection method: clinical testing. Allele origin: germline.
Comment: This sequence change affects a donor splice site in intron 9 of the SCN1A gene. It is expected to disrupt RNA splicing. Variants that disrupt the donor or acceptor splice site typically lead to a loss of protein function (PMID: 16199547), and loss-of-function variants in SCN1A are known to be pathogenic (PMID: 17347258, 18930999). This variant is not present in population databases (gnomAD no frequency). Disruption of this splice site has been observed in individual(s) with SCN1A-related conditions (internal data). In at least one individual the variant was observed to be de novo. Algorithms developed to predict the effect of sequence changes on RNA splicing suggest that this variant may disrupt the consensus splice site. For these reasons, this variant has been classified as Pathogenic.

Literature cited by the submitters: PubMed 16199547; PubMed 17347258; PubMed 18930999.